The following is an entry in ClinVar:

ClinVar aggregate classification (germline): Likely pathogenic (0 of 4 stars; one submission).

Conditions:
Alport syndrome. Also called: Hemorrhagic familial nephritis; Hemorrhagic hereditary nephritis; Congenital hereditary hematuria. Identifiers: Orphanet 63, MedGen C1567741, MONDO:0018965.

Submission:

Sydney Genome Diagnostics, Children's Hospital Westmead
Classification: Likely pathogenic for Alport syndrome. Last evaluated: 2020-01-28. Review status: no assertion criteria provided. Collection method: clinical testing. Allele origin: unknown. Affected: yes. Observed: 1 variant allele, 1 hemizygote.
Comment: To our knowledge, this variant has not been reported in any population databases (i.e. gnomAD, ExAC, ESP or dbSNP), and also has not been previously reported in the literature or any disease specific databases. In silico analysis of pathogenicity (through Alamut Visual v2.13) predicts this to variant abolish the consensus splice acceptor site at c.2042, resulting in the inframe skipping of exon 27. This variant is considered to be likely pathogenic according to the ACMG guidelines (Evidence used: PVS1_strong, PM2)

NM_033380.3(COL4A5):c.2042-2A>C

Gene: COL4A5 (collagen type IV alpha 5 chain; plus strand). Cytogenetic location: Xq22.3.
Variant type: single nucleotide variant.
Coding change: c.2042-2A>C on transcript NM_033380.3 (MANE Select); the canonical splice acceptor site of the intron before coding-DNA position 2042, A replaced by C.
Molecular consequence: splice acceptor variant.
Genome position (GRCh38, 1-based): chrX:108,601,883, A>C. VCF-style: chrX-108601883-A-C. GRCh37 (hg19) VCF-style: chrX-107845113-A-C.
Other names: c.2042-2A>C (NM_000495.5).
Identifiers: ClinVar variation 988154 (VCV000988154.1), dbSNP rs2066636714, ClinGen allele CA413846887.